The following is an entry in ClinVar:

NM_001004334.4(GPR179):c.2606G>A (p.Arg869Gln)

Gene: GPR179 (G protein-coupled receptor 179; minus strand). Cytogenetic location: 17q12.
Variant type: single nucleotide variant.
Coding change: c.2606G>A on transcript NM_001004334.4 (MANE Select); coding-DNA position 2606, G replaced by A.
Protein change: p.Arg869Gln; replaces arginine 869 with glutamine.
Molecular consequence: missense variant.
Genome position (GRCh38, 1-based): chr17:38,330,963, C>T on the plus strand (G>A on the coding strand, the complement: GPR179 is on the minus strand). VCF-style: chr17-38330963-C-T. GRCh37 (hg19) VCF-style: chr17-36486846-C-T.
Other names: short protein forms R869Q.
Identifiers: ClinVar variation 1369629 (VCV001369629.5), dbSNP rs764402310, ClinGen allele CA290105693.

ClinVar aggregate classification (germline): Uncertain significance (1 of 4 stars; one submission).

Allele frequency attached by ClinVar (database versions not stated): gnomAD exomes 0.00001 and 0.00002; ExAC 0.00002; TOPMed 0.00002; gnomAD 0.00003 and 0.00004.
gnomAD v4.1: 29 of 1,611,900 alleles (0.0018%); highest among the groups gnomAD compares: African/African-American, 0.0027%; no homozygotes.

Submission:

Labcorp Genetics (formerly Invitae), Labcorp
Classification: Uncertain significance. Last evaluated: 2022-07-05. Review status: criteria provided, single submitter. Criteria: Invitae Variant Classification Sherloc (09022015). Collection method: clinical testing. Allele origin: germline.
Comment: This sequence change replaces arginine, which is basic and polar, with glutamine, which is neutral and polar, at codon 869 of the GPR179 protein (p.Arg869Gln). This variant is present in population databases (rs764402310, gnomAD 0.005%). This variant has not been reported in the literature in individuals affected with GPR179-related conditions. ClinVar contains an entry for this variant (Variation ID: 1369629). Algorithms developed to predict the effect of missense changes on protein structure and function output the following: SIFT: "Deleterious"; PolyPhen-2: "Benign"; Align-GVGD: "Class C0". The glutamine amino acid residue is found in multiple mammalian species, which suggests that this missense change does not adversely affect protein function. In summary, the available evidence is currently insufficient to determine the role of this variant in disease. Therefore, it has been classified as a Variant of Uncertain Significance.